The following is an entry in ClinVar:

ClinVar aggregate classification (germline): Uncertain significance (1 of 4 stars; one submission).

Conditions:
LAMA2-related muscular dystrophy (LAMA2-RD). Also called: Laminin alpha 2-related dystrophy. Identifiers: MedGen C5679788, MONDO:0100228.

Allele frequency attached by ClinVar (database versions not stated): gnomAD exomes below 0.00001; ExAC 0.00001; TOPMed 0.00002; gnomAD 0.00003.

Submission:

Labcorp Genetics (formerly Invitae), Labcorp
Classification: Uncertain significance for LAMA2-related muscular dystrophy. Last evaluated: 2022-04-12. Review status: criteria provided, single submitter. Criteria: Invitae Variant Classification Sherloc (09022015). Collection method: clinical testing. Allele origin: germline.
Comment: This sequence change replaces glutamic acid, which is acidic and polar, with alanine, which is neutral and non-polar, at codon 981 of the LAMA2 protein (p.Glu981Ala). This variant is present in population databases (rs766926617, gnomAD 0.008%). This variant has not been reported in the literature in individuals affected with LAMA2-related conditions. Advanced modeling of protein sequence and biophysical properties (such as structural, functional, and spatial information, amino acid conservation, physicochemical variation, residue mobility, and thermodynamic stability) performed at Invitae indicates that this missense variant is not expected to disrupt LAMA2 protein function. In summary, the available evidence is currently insufficient to determine the role of this variant in disease. Therefore, it has been classified as a Variant of Uncertain Significance.

NM_000426.4(LAMA2):c.2942A>C (p.Glu981Ala)

Gene: LAMA2 (laminin subunit alpha 2; plus strand). Cytogenetic location: 6q22.33.
Variant type: single nucleotide variant.
Coding change: c.2942A>C on transcript NM_000426.4 (MANE Select); coding-DNA position 2942, A replaced by C.
Protein change: p.Glu981Ala; replaces glutamic acid 981 with alanine.
Molecular consequence: missense variant.
Genome position (GRCh38, 1-based): chr6:129,297,770, A>C. VCF-style: chr6-129297770-A-C. GRCh37 (hg19) VCF-style: chr6-129618915-A-C.
Other names: c.2942A>C, p.Glu981Ala (NM_001079823.2); short protein forms E981A.
Identifiers: ClinVar variation 2152867 (VCV002152867.1), dbSNP rs766926617, ClinGen allele CA3993113.